The following is an entry in ClinVar:

NM_005422.4(TECTA):c.746T>C (p.Val249Ala)

Genes: TBCEL-TECTA (TBCEL-TECTA readthrough; plus strand), TECTA (tectorin alpha; plus strand). Cytogenetic location: 11q23.3.
Variant type: single nucleotide variant.
Coding change: c.746T>C on transcript NM_005422.4 (MANE Select); coding-DNA position 746, T replaced by C.
Protein change: p.Val249Ala; replaces valine 249 with alanine.
Molecular consequence: missense variant.
Genome position (GRCh38, 1-based): chr11:121,113,674, T>C. VCF-style: chr11-121113674-T-C. GRCh37 (hg19) VCF-style: chr11-120984383-T-C.
Other names: c.1703T>C, p.Val568Ala (NM_001378761.1); short protein forms V249A, V568A.
Identifiers: ClinVar variation 1711330 (VCV001711330.30), dbSNP rs1591437923, ClinGen allele CA383023401.
Genomic context (GRCh38, chr11:121,113,674, plus strand): 5'-AGATCGTGAATATCCAGGAGACCACAAACGTCAATGTTCCAGGCCGCTGGGCATTTAAAG[T>C]TGATGGAAAGGAAATTGACCCAGCCAATGGCTGCACCTCAAGGGGTAAAGCTTTTCCTCT-3'
Protein context (NP_005413.2, residues 239-259): VNVPGRWAFK[Val249Ala]DGKEIDPANG

ClinVar aggregate classification (germline): Uncertain significance (1 of 4 stars; one submission).

Allele frequency attached by ClinVar (database versions not stated): gnomAD exomes below 0.00001.
gnomAD v4.1: 2 of 1,613,606 alleles (0.00012%); highest among the groups gnomAD compares: Non-Finnish European, 0.00017%; no homozygotes.

Submission:

CeGaT Center for Human Genetics Tuebingen
Classification: Uncertain significance. Last evaluated: 2022-09-01. Review status: criteria provided, single submitter. Criteria: CeGaT Center For Human Genetics Tuebingen Variant Classification Criteria Version 2. Collection method: clinical testing. Allele origin: germline. Affected: yes. Observed: 1 variant allele.
Comment: TECTA: PM2